The following is an entry in ClinVar:

ClinVar aggregate classification (germline): Uncertain significance (1 of 4 stars; one submission).

Submission:

GeneDx
Classification: Uncertain significance. Last evaluated: 2026-03-26. Review status: criteria provided, single submitter. Criteria: GeneDx Variant Classification Process June 2021. Collection method: clinical testing. Allele origin: germline.
Comment: Not observed at significant frequency in large population cohorts (gnomAD); In silico analysis supports that this missense variant has a deleterious effect on protein structure/function; Has not been previously published as pathogenic or benign to our knowledge

NM_175634.3(RUNX1T1):c.1501G>C (p.Ala501Pro)

Gene: RUNX1T1 (RUNX1 partner transcriptional co-repressor 1; minus strand). Cytogenetic location: 8q21.3.
Variant type: single nucleotide variant.
Coding change: c.1501G>C on transcript NM_175634.3 (MANE Select); coding-DNA position 1501, G replaced by C.
Protein change: p.Ala501Pro; replaces alanine 501 with proline.
Molecular consequence: missense variant.
Genome position (GRCh38, 1-based): chr8:91,970,696, C>G on the plus strand (G>C on the coding strand, the complement: RUNX1T1 is on the minus strand). VCF-style: chr8-91970696-C-G. GRCh37 (hg19) VCF-style: chr8-92982924-C-G.
Other names: c.1420G>C, p.Ala474Pro (NM_001198625.2, NM_001198632.2, NM_004349.4); c.1501G>C, p.Ala501Pro (NM_001198626.2, NM_001198627.2, NM_001198628.2 and 3 more transcripts); c.1441G>C, p.Ala481Pro (NM_001198633.2); c.1534G>C, p.Ala512Pro (NM_001198634.2); c.1678G>C, p.Ala560Pro (NM_001198679.3); c.1585G>C, p.Ala529Pro (NM_001395209.1); c.1390G>C, p.Ala464Pro (NM_175635.3, NM_175636.2); short protein forms A464P, A474P, A481P, A501P, A512P, A529P, A560P.
Identifiers: ClinVar variation 5017625 (VCV005017625.1).